The following is an entry in ClinVar:

ClinVar aggregate classification (germline): Uncertain significance (1 of 4 stars; one submission).

Allele frequency attached by ClinVar (database versions not stated): gnomAD exomes below 0.00001.
gnomAD v4.1: 1 of 1,614,264 alleles (0.000062%); highest among the groups gnomAD compares: Non-Finnish European, 0.000085%; no homozygotes.

Submission:

Labcorp Genetics (formerly Invitae), Labcorp
Classification: Uncertain significance. Last evaluated: 2022-04-12. Review status: criteria provided, single submitter. Criteria: Invitae Variant Classification Sherloc (09022015). Collection method: clinical testing. Allele origin: germline.
Comment: This variant has not been reported in the literature in individuals affected with IDH3B-related conditions. In summary, the available evidence is currently insufficient to determine the role of this variant in disease. Therefore, it has been classified as a Variant of Uncertain Significance. Algorithms developed to predict the effect of missense changes on protein structure and function are either unavailable or do not agree on the potential impact of this missense change (SIFT: "Not Available"; PolyPhen-2: "Probably Damaging"; Align-GVGD: "Not Available"). This variant is not present in population databases (gnomAD no frequency). This sequence change replaces alanine, which is neutral and non-polar, with proline, which is neutral and non-polar, at codon 348 of the IDH3B protein (p.Ala348Pro).

NM_006899.5(IDH3B):c.1042G>C (p.Ala348Pro)

Gene: IDH3B (isocitrate dehydrogenase (NAD(+)) 3 non-catalytic subunit beta; minus strand). Cytogenetic location: 20p13.
Variant type: single nucleotide variant.
Coding change: c.1042G>C on transcript NM_006899.5 (MANE Select); coding-DNA position 1042, G replaced by C.
Protein change: p.Ala348Pro; replaces alanine 348 with proline.
Molecular consequence: missense variant. On other transcripts: non-coding transcript variant (1).
Genome position (GRCh38, 1-based): chr20:2,659,554, C>G on the plus strand (G>C on the coding strand, the complement: IDH3B is on the minus strand). VCF-style: chr20-2659554-C-G. GRCh37 (hg19) VCF-style: chr20-2640200-C-G.
Other names: c.1042G>C, p.Ala348Pro (NM_001258384.3, NM_001330763.2, NM_174855.4); short protein forms A348P.
Identifiers: ClinVar variation 2125577 (VCV002125577.4), dbSNP rs1297618791, ClinGen allele CA408033772.
Genomic context (GRCh38, chr20:2,659,554, plus strand): 5'-CCTGAAGCCAGCACTACTCTTCTCAACTCACCTTGCCAACTTTGATCACCTTCTTCACCG[C>G]ATCTGCGATCATGCTGGAGTGATACTCAAGACTGTGGATATGGACAGGAAGAAACTGTGA-3'
Protein context (NP_008830.2, residues 338-358): LEYHSSMIAD[Ala348Pro]VKKVIKVGKV